The following is an entry in ClinVar:

NM_000070.3(CAPN3):c.606T>C (p.Ser202=)

Gene: CAPN3 (calpain 3; plus strand). Cytogenetic location: 15q15.1.
Variant type: single nucleotide variant.
Coding change: c.606T>C on transcript NM_000070.3 (MANE Select); coding-DNA position 606, T replaced by C.
Protein change: p.Ser202=; no amino-acid change (serine 202 retained).
Molecular consequence: synonymous variant.
Genome position (GRCh38, 1-based): chr15:42,387,860, T>C. VCF-style: chr15-42387860-T-C. GRCh37 (hg19) VCF-style: chr15-42680058-T-C.
Other names: p.Ser202=; c.606T>C, p.Ser202= (NM_024344.2, NM_173087.2).
Identifiers: ClinVar variation 128573 (VCV000128573.28), dbSNP rs17593, ClinGen allele CA152140.

ClinVar aggregate classification (germline): Benign/Likely benign. Review status: criteria provided, multiple submitters, no conflicts (2 of 4 stars). 11 submissions from 11 submitters: Benign (8); Likely benign (1). 2 of the submissions do not count toward it. Last evaluated 2026-02-04.

Conditions:
Autosomal recessive limb-girdle muscular dystrophy type 2A (LGMDR1). Also called: LEYDEN-MOEBIUS MUSCULAR DYSTROPHY; MUSCULAR DYSTROPHY, PELVOFEMORAL; Limb-girdle muscular dystrophy, type 2A; Calpainopathy; Muscular dystrophy, limb-girdle, type 2A, Amish. Identifiers: Orphanet 267, MedGen C1869123, MONDO:0009675, OMIM 253600. Disease mechanism: loss of function.

Allele frequency attached by ClinVar (database versions not stated): gnomAD exomes 0.00819 and 0.01804; ExAC 0.02101; gnomAD 0.05037 and 0.05293; TOPMed 0.05611; ESP Exome Variant Server 0.05660; 1000 Genomes Project 0.06410; 1000 Genomes Project 30x 0.06824.
gnomAD v4.1: 20,106 of 1,613,942 alleles (1.2%); highest among the groups gnomAD compares: African/African-American, 16%; 1,130 homozygotes.

Submissions (11):

Labcorp Genetics (formerly Invitae), Labcorp
Classification: Benign for Autosomal recessive limb-girdle muscular dystrophy type 2A. Last evaluated: 2026-02-04. Review status: criteria provided, single submitter. Criteria: Invitae Variant Classification Sherloc (09022015). Collection method: clinical testing. Allele origin: germline.

Athena Diagnostics
Classification: Benign. Last evaluated: 2025-07-02. Review status: criteria provided, single submitter. Criteria: Athena Diagnostics Criteria. Collection method: clinical testing. Allele origin: unknown.
Comment: The frequency of this variant in the general population is higher than would generally be expected for pathogenic variants in this gene.

Women's Health and Genetics/Laboratory Corporation of America, LabCorp
Classification: Benign. Last evaluated: 2021-12-10. Review status: criteria provided, single submitter. Criteria: LabCorp Variant Classification Summary - May 2015. Collection method: clinical testing. Allele origin: germline.

Mayo Clinic Laboratories, Mayo Clinic
Classification: Benign. Last evaluated: 2018-02-07. Review status: criteria provided, single submitter. Criteria: ACMG Guidelines, 2015. Collection method: clinical testing. Allele origin: germline. Observed: 35 variant alleles.

Illumina Laboratory Services, Illumina
Classification: Benign for Limb-girdle muscular dystrophy, type 2A. Last evaluated: 2018-01-13. Review status: criteria provided, single submitter. Criteria: ICSL Variant Classification Criteria 13 December 2019. Collection method: clinical testing. Allele origin: germline.
Comment: This variant was observed in the ICSL laboratory as part of a predisposition screen in an ostensibly healthy population. It had not been previously curated by ICSL or reported in the Human Gene Mutation Database (HGMD: prior to June 1st, 2018), and was therefore a candidate for classification through an automated scoring system. Utilizing variant allele frequency, disease prevalence and penetrance estimates, and inheritance mode, an automated score was calculated to assess if this variant is too frequent to cause the disease. Based on the score and internal cut-off values, a variant classified as benign is not then subjected to further curation. The score for this variant resulted in a classification of benign for this disease.

GeneDx
Classification: Benign. Last evaluated: 2016-03-15. Review status: criteria provided, single submitter. Criteria: GeneDx Variant Classification (06012015). Collection method: clinical testing. Allele origin: germline. Affected: yes.
Comment: This variant is considered likely benign or benign based on one or more of the following criteria: it is a conservative change, it occurs at a poorly conserved position in the protein, it is predicted to be benign by multiple in silico algorithms, and/or has population frequency not consistent with disease.

Eurofins Ntd Llc (ga)
Classification: Benign. Last evaluated: 2013-11-22. Review status: criteria provided, single submitter. Criteria: EGL Classification Definitions 2015. Collection method: clinical testing. Allele origin: germline. Observed: 8 variant alleles, 8 heterozygotes.

Breakthrough Genomics
Classification: Likely benign. Review status: criteria provided, single submitter. Criteria: ACMG Guidelines, 2015. Collection method: not provided. Allele origin: germline. Inheritance: Autosomal recessive inheritance. Affected: yes.

PreventionGenetics, part of Exact Sciences
Classification: Benign. Review status: criteria provided, single submitter. Criteria: ACMG Guidelines, 2015. Collection method: clinical testing. Allele origin: germline.

Natera, Inc.
Classification: Benign for Limb-girdle muscular dystrophy type 2A. Last evaluated: 2020-09-16. Review status: no assertion criteria provided. Collection method: clinical testing. Allele origin: germline. Not counted in ClinVar's aggregate classification.

Genetic Services Laboratory, University of Chicago
Classification: Likely benign for AllHighlyPenetrant. Review status: no assertion criteria provided. Collection method: clinical testing. Allele origin: germline. Inheritance: Autosomal recessive inheritance. Not counted in ClinVar's aggregate classification.
Comment: Likely benign based on allele frequency in 1000 Genomes Project or ESP global frequency and its presence in a patient with a rare or unrelated disease phenotype. NOT Sanger confirmed.

Literature cited by the submitters: PubMed 16141003 (cited by Athena Diagnostics).